The following is an entry in ClinVar:

NM_000038.6(APC):c.4973G>C (p.Ser1658Thr)

Gene: APC (APC regulator of Wnt signaling pathway; plus strand). Cytogenetic location: 5q22.2.
Variant type: single nucleotide variant.
Coding change: c.4973G>C on transcript NM_000038.6 (MANE Select); coding-DNA position 4973, G replaced by C.
Protein change: p.Ser1658Thr; replaces serine 1658 with threonine.
Molecular consequence: missense variant.
Genome position (GRCh38, 1-based): chr5:112,840,567, G>C. VCF-style: chr5-112840567-G-C. GRCh37 (hg19) VCF-style: chr5-112176264-G-C.
Other names: c.4973G>C, p.Ser1658Thr (NM_001127510.3, NM_001354895.2); c.4919G>C, p.Ser1640Thr (NM_001127511.3); c.5027G>C, p.Ser1676Thr (NM_001354896.2); c.5003G>C, p.Ser1668Thr (NM_001354897.2); c.4898G>C, p.Ser1633Thr (NM_001354898.2); c.4889G>C, p.Ser1630Thr (NM_001354899.2); c.4850G>C, p.Ser1617Thr (NM_001354900.2); c.4796G>C, p.Ser1599Thr (NM_001354901.2); and 5 more; short protein forms S1640T, S1658T, S1676T, S1532T, S1567T, S1599T, S1630T, S1633T.
Identifiers: ClinVar variation 632641 (VCV000632641.3), dbSNP rs1561596738, ClinGen allele CA16032217.

ClinVar aggregate classification (germline): Uncertain significance. Review status: criteria provided, multiple submitters, no conflicts (2 of 4 stars). 2 submissions from 2 submitters: Uncertain significance (2). Last evaluated 2024-01-04.

Conditions:
Hereditary cancer-predisposing syndrome. Also called: Tumor predisposition; Neoplastic Syndromes, Hereditary; Hereditary neoplastic syndrome; Hereditary Cancer Syndrome. Identifiers: Orphanet 140162, MedGen C0027672, MeSH D009386, MONDO:0015356.

Submissions (2):

Color Diagnostics, LLC DBA Color Health
Classification: Uncertain significance for Hereditary cancer-predisposing syndrome. Last evaluated: 2024-01-04. Review status: criteria provided, single submitter. Criteria: ACMG Guidelines, 2015. Collection method: clinical testing. Allele origin: germline.
Comment: This missense variant replaces serine with threonine at codon 1658 of the APC protein. Computational prediction is inconclusive regarding the impact of this variant on protein structure and function (internally defined REVEL score threshold 0.5 < inconclusive < 0.7, PMID: 27666373). To our knowledge, functional studies have not been reported for this variant. This variant has not been reported in individuals affected with APC-related disorders in the literature. This variant has not been identified in the general population by the Genome Aggregation Database (gnomAD). The available evidence is insufficient to determine the role of this variant in disease conclusively. Therefore, this variant is classified as a Variant of Uncertain Significance.

Women's Health and Genetics/Laboratory Corporation of America, LabCorp
Classification: Uncertain significance. Last evaluated: 2018-12-14. Review status: criteria provided, single submitter. Criteria: LabCorp Variant Classification Summary - May 2015. Collection method: clinical testing. Allele origin: germline.
Comment: Variant summary: APC c.4973G>C (p.Ser1658Thr) results in a conservative amino acid change located in the Adenomatous polyposis coli protein repeat domain of the encoded protein sequence. Three of five in-silico tools predict a benign effect of the variant on protein function. The variant was absent in 245348 control chromosomes (gnomAD). The available data on variant occurrences in the general population are insufficient to allow any conclusion about variant significance. To our knowledge, no occurrence of c.4973G>C in individuals affected with Familial Adenomatous Polyposis and no experimental evidence demonstrating its impact on protein function have been reported. No clinical diagnostic laboratories have submitted clinical-significance assessments for this variant to ClinVar after 2014. Based on the evidence outlined above, the variant was classified as uncertain significance.